The following is an entry in ClinVar:

NM_000291.4(PGK1):c.217C>T (p.Pro73Ser)

Gene: PGK1 (phosphoglycerate kinase 1; plus strand). Cytogenetic location: Xq21.1.
Variant type: single nucleotide variant.
Coding change: c.217C>T on transcript NM_000291.4 (MANE Select); coding-DNA position 217, C replaced by T.
Protein change: p.Pro73Ser; replaces proline 73 with serine.
Molecular consequence: missense variant.
Genome position (GRCh38, 1-based): chrX:78,113,844, C>T. VCF-style: chrX-78113844-C-T. GRCh37 (hg19) VCF-style: chrX-77369341-C-T.
Other names: short protein forms P73S.
Identifiers: ClinVar variation 2991201 (VCV002991201.3), dbSNP rs148077298, ClinGen allele CA10459634.

ClinVar aggregate classification (germline): Uncertain significance (1 of 4 stars; one submission).

Allele frequency attached by ClinVar (database versions not stated): ExAC 0.00002; gnomAD 0.00002; gnomAD exomes 0.00002; TOPMed 0.00002; ESP Exome Variant Server 0.00009.
gnomAD v4.1: 23 of 1,208,703 alleles (0.0019%); highest among the groups gnomAD compares: Non-Finnish European, 0.0025%; no homozygotes.

Submission:

Labcorp Genetics (formerly Invitae), Labcorp
Classification: Uncertain significance. Last evaluated: 2023-06-14. Review status: criteria provided, single submitter. Criteria: Invitae Variant Classification Sherloc (09022015). Collection method: clinical testing. Allele origin: germline.
Comment: This variant is present in population databases (rs148077298, gnomAD 0.002%). This sequence change replaces proline, which is neutral and non-polar, with serine, which is neutral and polar, at codon 73 of the PGK1 protein (p.Pro73Ser). This variant has not been reported in the literature in individuals affected with PGK1-related conditions. In summary, the available evidence is currently insufficient to determine the role of this variant in disease. Therefore, it has been classified as a Variant of Uncertain Significance. Advanced modeling of protein sequence and biophysical properties (such as structural, functional, and spatial information, amino acid conservation, physicochemical variation, residue mobility, and thermodynamic stability) performed at Invitae indicates that this missense variant is not expected to disrupt PGK1 protein function.